The following is an entry in ClinVar:

NM_001134407.3(GRIN2A):c.1328+181C>A

Gene: GRIN2A (glutamate ionotropic receptor NMDA type subunit 2A; minus strand). Cytogenetic location: 16p13.2.
Variant type: single nucleotide variant.
Coding change: c.1328+181C>A on transcript NM_001134407.3 (MANE Select); 181 bases into the intron after coding-DNA position 1328, C replaced by A.
Molecular consequence: intron variant.
Genome position (GRCh38, 1-based): chr16:9,849,575, G>T on the plus strand (C>A on the coding strand, the complement: GRIN2A is on the minus strand). VCF-style: chr16-9849575-G-T. GRCh37 (hg19) VCF-style: chr16-9943432-G-T.
Other names: c.1328+181C>A (NM_001134408.2, NM_000833.5).
Identifiers: ClinVar variation 681643 (VCV000681643.1), dbSNP rs9934477, ClinGen allele CA14277453.

ClinVar aggregate classification (germline): Benign (1 of 4 stars; one submission).

Allele frequency attached by ClinVar (database versions not stated): 1000 Genomes Project 0.29852; 1000 Genomes Project 30x 0.30450; gnomAD 0.33718 and 0.34524; TOPMed 0.34030.
gnomAD v4.1: 51,239 of 151,950 alleles (34%); highest among the groups gnomAD compares: African/African-American, 45%; 9,169 homozygotes.

Submission:

GeneDx
Classification: Benign. Last evaluated: 2018-06-14. Review status: criteria provided, single submitter. Criteria: GeneDx Variant Classification (06012015). Collection method: clinical testing. Allele origin: germline. Affected: yes.
Comment: This variant is considered likely benign or benign based on one or more of the following criteria: it is a conservative change, it occurs at a poorly conserved position in the protein, it is predicted to be benign by multiple in silico algorithms, and/or has population frequency not consistent with disease.